The following is an entry in ClinVar:

NM_006904.7(PRKDC):c.10222G>T (p.Gly3408Trp)

Gene: PRKDC (protein kinase, DNA-activated, catalytic subunit; minus strand). Cytogenetic location: 8q11.21.
Variant type: single nucleotide variant.
Coding change: c.10222G>T on transcript NM_006904.7 (MANE Select); coding-DNA position 10222, G replaced by T.
Protein change: p.Gly3408Trp; replaces glycine 3408 with tryptophan.
Molecular consequence: missense variant.
Genome position (GRCh38, 1-based): chr8:47,799,285, C>A on the plus strand (G>T on the coding strand, the complement: PRKDC is on the minus strand). VCF-style: chr8-47799285-C-A. GRCh37 (hg19) VCF-style: chr8-48711846-C-A.
Other names: c.10222G>T, p.Gly3408Trp (NM_001081640.2); short protein forms G3408W.
Identifiers: ClinVar variation 1762432 (VCV001762432.2), dbSNP rs2551862710, ClinGen allele CA371135294.

ClinVar aggregate classification (germline): Uncertain significance (1 of 4 stars; one submission).

Submission:

Ambry Genetics
Classification: Uncertain significance. Last evaluated: 2021-10-13. Review status: criteria provided, single submitter. Criteria: Ambry Variant Classification Scheme 2023. Collection method: clinical testing. Allele origin: germline.
Comment: The p.G3408W variant (also known as c.10222G>T), located in coding exon 72 of the PRKDC gene, results from a G to T substitution at nucleotide position 10222. The glycine at codon 3408 is replaced by tryptophan, an amino acid with highly dissimilar properties. This amino acid position is conserved. In addition, this alteration is predicted to be tolerated by in silico analysis. Since supporting evidence is limited at this time, the clinical significance of this alteration remains unclear.